The following is an entry in ClinVar:

ClinVar aggregate classification (germline): Uncertain significance (1 of 4 stars; one submission).

Conditions:
Ehlers-Danlos syndrome, classic type, 1 (EDSCL1). Also called: EHLERS-DANLOS SYNDROME, GRAVIS TYPE; EHLERS-DANLOS SYNDROME, SEVERE CLASSIC TYPE; Ehlers-Danlos syndrome, type 1; EDS I; Ehlers-Danlos Syndrome, Classic Type, COL5A1-Related. Identifiers: MedGen C0268335, MONDO:0019567, OMIM 130000.

Allele frequency attached by ClinVar (database versions not stated): gnomAD 0.00001; TOPMed 0.00001; gnomAD exomes below 0.00001.
gnomAD v4.1: 2 of 1,614,112 alleles (0.00012%); highest among the groups gnomAD compares: Non-Finnish European, 0.00017%; no homozygotes.

Submission:

Labcorp Genetics (formerly Invitae), Labcorp
Classification: Uncertain significance for Ehlers-Danlos syndrome, classic type, 1. Last evaluated: 2023-06-17. Review status: criteria provided, single submitter. Criteria: Invitae Variant Classification Sherloc (09022015). Collection method: clinical testing. Allele origin: germline.
Comment: In summary, the available evidence is currently insufficient to determine the role of this variant in disease. Therefore, it has been classified as a Variant of Uncertain Significance. Advanced modeling of protein sequence and biophysical properties (such as structural, functional, and spatial information, amino acid conservation, physicochemical variation, residue mobility, and thermodynamic stability) performed at Invitae indicates that this missense variant is not expected to disrupt COL5A1 protein function. ClinVar contains an entry for this variant (Variation ID: 1991986). This variant has not been reported in the literature in individuals affected with COL5A1-related conditions. This variant is present in population databases (no rsID available, gnomAD 0.0009%). This sequence change replaces valine, which is neutral and non-polar, with methionine, which is neutral and non-polar, at codon 1831 of the COL5A1 protein (p.Val1831Met).

NM_000093.5(COL5A1):c.5491G>A (p.Val1831Met)

Genes: COL5A1 (collagen type V alpha 1 chain; plus strand), LOC101448202 (uncharacterized LOC101448202; minus strand). Cytogenetic location: 9q34.3.
Variant type: single nucleotide variant.
Coding change: c.5491G>A on transcript NM_000093.5 (MANE Select); coding-DNA position 5491, G replaced by A.
Protein change: p.Val1831Met; replaces valine 1831 with methionine.
Molecular consequence: missense variant.
Genome position (GRCh38, 1-based): chr9:134,842,277, G>A. VCF-style: chr9-134842277-G-A. GRCh37 (hg19) VCF-style: chr9-137734123-G-A.
Other names: c.5491G>A, p.Val1831Met (NM_001278074.1); short protein forms V1831M.
Identifiers: ClinVar variation 1991986 (VCV001991986.4), dbSNP rs1461781478, ClinGen allele CA375462107.